The following is an entry in ClinVar:

NM_006269.2(RP1):c.4376A>G (p.Glu1459Gly)

Gene: RP1 (RP1 axonemal microtubule associated; plus strand). Cytogenetic location: 8q12.1.
Variant type: single nucleotide variant.
Coding change: c.4376A>G on transcript NM_006269.2 (MANE Select); coding-DNA position 4376, A replaced by G.
Protein change: p.Glu1459Gly; replaces glutamic acid 1459 with glycine.
Molecular consequence: missense variant. On other transcripts: intron variant (1).
Genome position (GRCh38, 1-based): chr8:54,628,258, A>G. VCF-style: chr8-54628258-A-G. GRCh37 (hg19) VCF-style: chr8-55540818-A-G.
Other names: c.787+5970A>G (NM_001375654.1); short protein forms E1459G.
Identifiers: ClinVar variation 996128 (VCV000996128.13), dbSNP rs1315126444, ClinGen allele CA370982061.

ClinVar aggregate classification (germline): Uncertain significance. Review status: criteria provided, single submitter (1 of 4 stars). 2 submissions from 2 submitters: Uncertain significance (1). 1 of the submissions does not count toward it. Last evaluated 2020-02-11.

Conditions:
Leber optic atrophy (LHON). Also called: Leber's optic atrophy; Optic Atrophy, Hereditary, Leber; Leber hereditary optic neuropathy; Leber's disease. Identifiers: Orphanet 104, MedGen C0917796, MONDO:0010788, OMIM 535000, HP:0001112.

Allele frequency attached by ClinVar (database versions not stated): gnomAD exomes 0.00001.
gnomAD v4.1: 4 of 1,614,014 alleles (0.00025%); highest among the groups gnomAD compares: Non-Finnish European, 0.00034%; no homozygotes.

Submissions (2):

Labcorp Genetics (formerly Invitae), Labcorp
Classification: Uncertain significance. Last evaluated: 2020-02-11. Review status: criteria provided, single submitter. Criteria: Invitae Variant Classification Sherloc (09022015). Collection method: clinical testing. Allele origin: germline.
Comment: This sequence change replaces glutamic acid with glycine at codon 1459 of the RP1 protein (p.Glu1459Gly). The glutamic acid residue is highly conserved and there is a moderate physicochemical difference between glutamic acid and glycine. This variant is not present in population databases (ExAC no frequency). This variant has not been reported in the literature in individuals with RP1-related conditions. Algorithms developed to predict the effect of missense changes on protein structure and function are either unavailable or do not agree on the potential impact of this missense change (SIFT: "Deleterious"; PolyPhen-2: "Probably Damaging"; Align-GVGD: "Class C0"). In summary, the available evidence is currently insufficient to determine the role of this variant in disease. Therefore, it has been classified as a Variant of Uncertain Significance.

Center for Human Genetics and Genomic Medicine, Uniklinik Rwth Aachen
Classification: Uncertain significance for Leber optic atrophy. Last evaluated: 2021-01-20. Review status: no assertion criteria provided. Collection method: clinical testing. Allele origin: unknown. Affected: yes. Observed: 1 variant allele, 1 heterozygote. Not counted in ClinVar's aggregate classification.